The following is an entry in ClinVar:

ClinVar aggregate classification (germline): Uncertain significance (1 of 4 stars; one submission).

gnomAD v4.1: 5 of 1,614,246 alleles (0.00031%); highest among the groups gnomAD compares: South Asian, 0.0011%; no homozygotes.

Submission:

Labcorp Genetics (formerly Invitae), Labcorp
Classification: Uncertain significance. Last evaluated: 2024-12-05. Review status: criteria provided, single submitter. Criteria: Invitae Variant Classification Sherloc (09022015). Collection method: clinical testing. Allele origin: germline.
Comment: This sequence change replaces isoleucine, which is neutral and non-polar, with valine, which is neutral and non-polar, at codon 470 of the ZNF143 protein (p.Ile470Val). This variant is present in population databases (rs377150396, gnomAD 0.003%). This variant has not been reported in the literature in individuals affected with ZNF143-related conditions. An algorithm developed to predict the effect of missense changes on protein structure and function (PolyPhen-2) suggests that this variant is likely to be tolerated. In summary, the available evidence is currently insufficient to determine the role of this variant in disease. Therefore, it has been classified as a Variant of Uncertain Significance.

NM_003442.6(ZNF143):c.1408A>G (p.Ile470Val)

Gene: ZNF143 (zinc finger protein 143; plus strand). Cytogenetic location: 11p15.4.
Variant type: single nucleotide variant.
Coding change: c.1408A>G on transcript NM_003442.6 (MANE Select); coding-DNA position 1408, A replaced by G.
Protein change: p.Ile470Val; replaces isoleucine 470 with valine.
Molecular consequence: missense variant.
Genome position (GRCh38, 1-based): chr11:9,512,480, A>G. VCF-style: chr11-9512480-A-G. GRCh37 (hg19) VCF-style: chr11-9534027-A-G.
Other names: c.1405A>G, p.Ile469Val (NM_001282656.2); c.1315A>G, p.Ile439Val (NM_001282657.2); short protein forms I470V, I469V, I439V.
Identifiers: ClinVar variation 3680059 (VCV003680059.2).
Genomic context (GRCh38, chr11:9,512,480, plus strand): 5'-AAATAAATGATTCATTTGTTTTAAACAGGTCAAGGTGAAGATGTTCTTAAAGGGTCCCAG[A>G]TTACGTATGTTACAGGTGTAGAAGGGGACGACGTTGTTTCTACACAAGTAGCCACAGTAA-3'
Protein context (NP_003433.3, residues 460-480): QGEDVLKGSQ[Ile470Val]TYVTGVEGDD